The following is an entry in ClinVar:

NM_018406.7(MUC4):c.5022C>T (p.Ser1674=)

Gene: MUC4 (mucin 4, cell surface associated). Cytogenetic location: 3q29.
Variant type: single nucleotide variant.
Coding change: c.5022C>T on transcript NM_018406.7 (MANE Select); coding-DNA position 5022, C replaced by T.
Protein change: p.Ser1674=; no amino-acid change (serine 1674 retained).
Molecular consequence: synonymous variant. On other transcripts: genic upstream transcript variant (2).
Genome position (GRCh38, 1-based): chr3:195,786,558, G>A on the plus strand (C>T on the coding strand, the complement: MUC4 is on the minus strand). VCF-style: chr3-195786558-G-A. GRCh37 (hg19) VCF-style: chr3-195513429-G-A.
Other names: c.6957C>T, p.Ser2319= (NM_001322468.1); c.83-12253C>T (NM_138297.5); c.83-8103C>T (NM_004532.6).
Identifiers: ClinVar variation 2654472 (VCV002654472.24), dbSNP rs201810830, ClinGen allele CA90781762.

ClinVar aggregate classification (germline): Likely benign (1 of 4 stars; one submission).

Allele frequency attached by ClinVar (database versions not stated): 1000 Genomes Project 0.00060.

Submission:

CeGaT Center for Human Genetics Tuebingen
Classification: Likely benign. Last evaluated: 2026-01-01. Review status: criteria provided, single submitter. Criteria: CeGaT Center For Human Genetics Tuebingen Variant Classification Criteria Version 2. Collection method: clinical testing. Allele origin: germline. Affected: yes. Observed: 3 variant alleles.
Comment: MUC4: BP4, BP7